The following is an entry in ClinVar:

ClinVar aggregate classification (germline): Uncertain significance (1 of 4 stars; one submission).

Conditions:
Epidermolysis bullosa simplex 5B, with muscular dystrophy (EBS5B). Also called: EPIDERMOLYSIS BULLOSA SIMPLEX AND LIMB-GIRDLE MUSCULAR DYSTROPHY; Epidermolysis bullosa simplex with muscular dystrophy. Identifiers: Orphanet 257, MedGen C2931072, MONDO:0009181, OMIM 226670.
Epidermolysis bullosa simplex 5C, with pyloric atresia (EBS5C). Also called: PLEC1-Related Epidermolysis Bullosa with Pyloric Atresia; PLEC-Related Epidermolysis Bullosa with Pyloric Atresia; Epidermolysis bullosa simplex with pyloric atresia. Identifiers: Orphanet 158684, MedGen C2677349, MONDO:0012807, OMIM 612138.
Epidermolysis bullosa simplex, Ogna type (EBS5A). Also called: Pidermolysis bullosa simplex 5A, Ogna type; EPIDERMOLYSIS BULLOSA SIMPLEX 5A, OGNA TYPE. Identifiers: Orphanet 79401, MedGen C0432317, MONDO:0007555, OMIM 131950.
Autosomal recessive limb-girdle muscular dystrophy type 2Q (LGMDR17). Also called: MUSCULAR DYSTROPHY, LIMB-GIRDLE, AUTOSOMAL RECESSIVE 17. Identifiers: Orphanet 254361, MedGen C3150989, MONDO:0013390, OMIM 613723.
Epidermolysis bullosa simplex with nail dystrophy (EBS5D). Identifiers: MedGen C4225309, MONDO:0014661, OMIM 616487.

Allele frequency attached by ClinVar (database versions not stated): gnomAD 0.00001; gnomAD exomes 0.00001; ExAC 0.00002.
gnomAD v4.1: 13 of 1,611,354 alleles (0.00081%); highest among the groups gnomAD compares: South Asian, 0.0011%; no homozygotes.

Submission:

Labcorp Genetics (formerly Invitae), Labcorp
Classification: Uncertain significance for Autosomal recessive limb-girdle muscular dystrophy type 2Q; Epidermolysis bullosa simplex, Ogna type; Epidermolysis bullosa simplex with nail dystrophy; Epidermolysis bullosa simplex 5C, with pyloric atresia; Epidermolysis bullosa simplex 5B, with muscular dystrophy. Last evaluated: 2021-08-18. Review status: criteria provided, single submitter. Criteria: Invitae Variant Classification Sherloc (09022015). Collection method: clinical testing. Allele origin: germline.
Comment: In summary, the available evidence is currently insufficient to determine the role of this variant in disease. Therefore, it has been classified as a Variant of Uncertain Significance. Algorithms developed to predict the effect of missense changes on protein structure and function (SIFT, PolyPhen-2, Align-GVGD) all suggest that this variant is likely to be disruptive. This variant has not been reported in the literature in individuals affected with PLEC-related conditions. This variant is present in population databases (rs782448188, ExAC 0.02%). This sequence change replaces lysine with glutamic acid at codon 4466 of the PLEC protein (p.Lys4466Glu). The lysine residue is highly conserved and there is a small physicochemical difference between lysine and glutamic acid.

NM_201384.3(PLEC):c.13315A>G (p.Lys4439Glu)

Gene: PLEC (plectin; minus strand). Cytogenetic location: 8q24.3.
Variant type: single nucleotide variant.
Coding change: c.13315A>G on transcript NM_201384.3 (MANE Select); coding-DNA position 13315, A replaced by G.
Protein change: p.Lys4439Glu; replaces lysine 4439 with glutamic acid.
Molecular consequence: missense variant.
Genome position (GRCh38, 1-based): chr8:143,916,506, T>C on the plus strand (A>G on the coding strand, the complement: PLEC is on the minus strand). VCF-style: chr8-143916506-T-C. GRCh37 (hg19) VCF-style: chr8-144990674-T-C.
Other names: c.13396A>G, p.Lys4466Glu (NM_000445.5); c.13273A>G, p.Lys4425Glu (NM_201378.4); c.13249A>G, p.Lys4417Glu (NM_201379.3); c.13726A>G, p.Lys4576Glu (NM_201380.4); c.13219A>G, p.Lys4407Glu (NM_201381.3); c.13315A>G, p.Lys4439Glu (NM_201382.4); c.13327A>G, p.Lys4443Glu (NM_201383.3); short protein forms K4425E, K4407E, K4466E, K4576E, K4439E, K4443E, K4417E.
Identifiers: ClinVar variation 1489512 (VCV001489512.6), dbSNP rs782448188, ClinGen allele CA4923843.
Genomic context (GRCh38, chr8:143,916,506, plus strand): 5'-TGCCCTCCTCCACCATGCTGCGGTCCAGCGCGTCCTTATAGGAGATCTTGAGCTTGGTCT[T>C]AGGGCAGGTGAGGTACTTGGAGTAGGCGCCCACGTCACGCAGCTTCTGTGCGGTGCGGGC-3'
Protein context (NP_958786.1, residues 4429-4449): GAYSKYLTCP[Lys4439Glu]TKLKISYKDA